The following is an entry in ClinVar:

ClinVar aggregate classification (germline): Uncertain significance (1 of 4 stars; one submission).

Conditions:
Charcot-Marie-Tooth disease type 2. Also called: Charcot-Marie-Tooth type 2. Identifiers: Orphanet 64746, MedGen C0270914, MONDO:0018993.

Allele frequency attached by ClinVar (database versions not stated): gnomAD exomes 0.00001; TOPMed below 0.00001; gnomAD 0.00001.
gnomAD v4.1: 10 of 1,614,002 alleles (0.00062%); highest among the groups gnomAD compares: Non-Finnish European, 0.00085%; no homozygotes.

Submission:

Labcorp Genetics (formerly Invitae), Labcorp
Classification: Uncertain significance for Charcot-Marie-Tooth disease type 2. Last evaluated: 2024-01-17. Review status: criteria provided, single submitter. Criteria: Invitae Variant Classification Sherloc (09022015). Collection method: clinical testing. Allele origin: germline.
Comment: This sequence change replaces lysine, which is basic and polar, with methionine, which is neutral and non-polar, at codon 38 of the MFN2 protein (p.Lys38Met). This variant is not present in population databases (gnomAD no frequency). This variant has not been reported in the literature in individuals affected with MFN2-related conditions. ClinVar contains an entry for this variant (Variation ID: 1720479). Advanced modeling of protein sequence and biophysical properties (such as structural, functional, and spatial information, amino acid conservation, physicochemical variation, residue mobility, and thermodynamic stability) performed at Invitae indicates that this missense variant is expected to disrupt MFN2 protein function with a positive predictive value of 95%. In summary, the available evidence is currently insufficient to determine the role of this variant in disease. Therefore, it has been classified as a Variant of Uncertain Significance.

NM_014874.4(MFN2):c.113A>T (p.Lys38Met)

Gene: MFN2 (mitofusin 2; plus strand). Cytogenetic location: 1p36.22.
Variant type: single nucleotide variant.
Coding change: c.113A>T on transcript NM_014874.4 (MANE Select); coding-DNA position 113, A replaced by T.
Protein change: p.Lys38Met; replaces lysine 38 with methionine.
Molecular consequence: missense variant.
Genome position (GRCh38, 1-based): chr1:11,989,281, A>T. VCF-style: chr1-11989281-A-T. GRCh37 (hg19) VCF-style: chr1-12049338-A-T.
Other names: c.113A>T, p.Lys38Met (NM_001127660.2); short protein forms K38M.
Identifiers: ClinVar variation 1720479 (VCV001720479.5), dbSNP rs1157741525, ClinGen allele CA338459704.